The following is an entry in ClinVar:

NM_000465.4(BARD1):c.1230T>A (p.Ser410Arg)

Gene: BARD1 (BRCA1 associated RING domain 1; minus strand). Cytogenetic location: 2q35.
Variant type: single nucleotide variant.
Coding change: c.1230T>A on transcript NM_000465.4 (MANE Select); coding-DNA position 1230, T replaced by A.
Protein change: p.Ser410Arg; replaces serine 410 with arginine.
Molecular consequence: missense variant. On other transcripts: non-coding transcript variant (2), intron variant (3).
Genome position (GRCh38, 1-based): chr2:214,780,644, A>T on the plus strand (T>A on the coding strand, the complement: BARD1 is on the minus strand). VCF-style: chr2-214780644-A-T. GRCh37 (hg19) VCF-style: chr2-215645368-A-T.
Other names: c.1173T>A, p.Ser391Arg (NM_001282543.2); c.159-28089T>A (NM_001282548.2); c.215+16417T>A (NM_001282545.2); c.364+11653T>A (NM_001282549.2); short protein forms S410R, S391R.
Identifiers: ClinVar variation 3479386 (VCV003479386.3).

ClinVar aggregate classification (germline): Uncertain significance. Review status: criteria provided, multiple submitters, no conflicts (2 of 4 stars). 2 submissions from 2 submitters: Uncertain significance (2). Last evaluated 2025-01-05.

Conditions:
Familial cancer of breast. Also called: Hereditary breast cancer; hereditary breast carcinoma; BREAST CANCER, FAMILIAL. Identifiers: Orphanet 227535, MedGen C0346153, MONDO:0016419, OMIM 114480. Disease mechanism: loss of function.
Hereditary cancer-predisposing syndrome. Also called: Tumor predisposition; Neoplastic Syndromes, Hereditary; Hereditary neoplastic syndrome; Hereditary Cancer Syndrome. Identifiers: Orphanet 140162, MedGen C0027672, MeSH D009386, MONDO:0015356.

Submissions (2):

Labcorp Genetics (formerly Invitae), Labcorp
Classification: Uncertain significance for Familial cancer of breast. Last evaluated: 2025-01-05. Review status: criteria provided, single submitter. Criteria: Invitae Variant Classification Sherloc (09022015). Collection method: clinical testing. Allele origin: germline.
Comment: This sequence change replaces serine, which is neutral and polar, with arginine, which is basic and polar, at codon 410 of the BARD1 protein (p.Ser410Arg). This variant is not present in population databases (gnomAD no frequency). This variant has not been reported in the literature in individuals affected with BARD1-related conditions. An algorithm developed to predict the effect of missense changes on protein structure and function (PolyPhen-2) suggests that this variant is likely to be disruptive. In summary, the available evidence is currently insufficient to determine the role of this variant in disease. Therefore, it has been classified as a Variant of Uncertain Significance.

Ambry Genetics
Classification: Uncertain significance for Hereditary cancer-predisposing syndrome. Last evaluated: 2024-11-03. Review status: criteria provided, single submitter. Criteria: Ambry Variant Classification Scheme 2023. Collection method: clinical testing. Allele origin: germline.
Comment: The p.S410R variant (also known as c.1230T>A), located in coding exon 4 of the BARD1 gene, results from a T to A substitution at nucleotide position 1230. The serine at codon 410 is replaced by arginine, an amino acid with dissimilar properties. This amino acid position is conserved. In addition, the in silico prediction for this alteration is inconclusive. Based on the available evidence, the clinical significance of this variant remains unclear.